The following is an entry in ClinVar:

NM_000551.4(VHL):c.601C>T (p.Leu201=)

Genes: VHL (von Hippel-Lindau tumor suppressor; plus strand), LOC107303340 (3p25 von Hippel-Lindau tumor suppressor, E3 ubiquitin protein ligase Alu-mediated recombination region; plus strand). Cytogenetic location: 3p25.3.
Variant type: single nucleotide variant.
Coding change: c.601C>T on transcript NM_000551.4 (MANE Select); coding-DNA position 601, C replaced by T.
Protein change: p.Leu201=; no amino-acid change (leucine 201 retained).
Molecular consequence: synonymous variant. On other transcripts: 3 prime UTR variant (1).
Genome position (GRCh38, 1-based): chr3:10,149,924, C>T. VCF-style: chr3-10149924-C-T. GRCh37 (hg19) VCF-style: chr3-10191608-C-T.
Other names: c.*155C>T (NM_001354723.2); c.478C>T, p.Leu160= (NM_198156.3).
Identifiers: ClinVar variation 184592 (VCV000184592.18), dbSNP rs786201557, ClinGen allele CA020522.
Genomic context (GRCh38, chr3:10,149,924, plus strand): 5'-GTCAGGTCGCTCTACGAAGATCTGGAAGACCACCCAAATGTGCAGAAAGACCTGGAGCGG[C>T]TGACACAGGAGCGCATTGCACATCAACGGATGGGAGATTGAAGATTTCTGTTGAAACTTA-3'
Protein context (NP_000542.1, residues 191-211): HPNVQKDLER[Leu201=]TQERIAHQRM

ClinVar aggregate classification (germline): Benign/Likely benign. Review status: criteria provided, multiple submitters, no conflicts (2 of 4 stars). 5 submissions from 5 submitters: Benign (1); Likely benign (4). Last evaluated 2026-01-28.

Conditions:
Hereditary cancer-predisposing syndrome. Also called: Tumor predisposition; Hereditary Cancer Syndrome; Hereditary neoplastic syndrome; Neoplastic Syndromes, Hereditary. Identifiers: Orphanet 140162, MedGen C0027672, MeSH D009386, MONDO:0015356.
Von Hippel-Lindau syndrome (VHLS). Also called: VHL syndrome; Von Hippel-Lindau; von Hippel–Lindau syndrome. Identifiers: Orphanet 892, MedGen C0019562, MONDO:0008667, OMIM 193300. Disease mechanism: loss of function.
Chuvash polycythemia. Also called: POLYCYTHEMIA, VHL-DEPENDENT. Identifiers: Orphanet 238557, MedGen C1837915, MONDO:0009892, OMIM 263400.

Allele frequency attached by ClinVar (database versions not stated): gnomAD exomes below 0.00001.
gnomAD v4.1: 2 of 1,614,182 alleles (0.00012%); highest among the groups gnomAD compares: South Asian, 0.0011%; no homozygotes.

Submissions (5):

Labcorp Genetics (formerly Invitae), Labcorp
Classification: Likely benign for Von Hippel-Lindau syndrome; Chuvash polycythemia. Last evaluated: 2026-01-28. Review status: criteria provided, single submitter. Criteria: Invitae Variant Classification Sherloc (09022015). Collection method: clinical testing. Allele origin: germline.

Myriad Genetics, Inc.
Classification: Benign for Von Hippel-Lindau syndrome. Last evaluated: 2025-06-13. Review status: criteria provided, single submitter. Criteria: Myriad Autosomal Dominant, Autosomal Recessive and X-Linked Classification Criteria (2023). Collection method: clinical testing. Allele origin: unknown.
Comment: This variant is considered benign. This variant is a silent/synonymous amino acid change and it is not expected to impact splicing.

Sema4
Classification: Likely benign for Hereditary cancer-predisposing syndrome. Last evaluated: 2022-02-02. Review status: criteria provided, single submitter. Criteria: Sema4 Curation Guidelines. Collection method: curation. Allele origin: germline.

GeneDx
Classification: Likely benign. Last evaluated: 2021-01-18. Review status: criteria provided, single submitter. Criteria: GeneDx Variant Classification Process June 2021. Collection method: clinical testing. Allele origin: germline. Affected: yes.

Ambry Genetics
Classification: Likely benign for Hereditary cancer-predisposing syndrome. Last evaluated: 2019-07-09. Review status: criteria provided, single submitter. Criteria: Ambry Variant Classification Scheme 2023. Collection method: clinical testing. Allele origin: germline.